The following is an entry in ClinVar:

NM_001267550.2(TTN):c.53791C>G (p.Gln17931Glu)

Genes: TTN-AS1 (TTN antisense RNA 1; plus strand), TTN (titin; minus strand). Cytogenetic location: 2q31.2.
Variant type: single nucleotide variant.
Coding change: c.53791C>G on transcript NM_001267550.2 (MANE Select); coding-DNA position 53791, C replaced by G.
Protein change: p.Gln17931Glu; replaces glutamine 17931 with glutamic acid.
Molecular consequence: missense variant.
Genome position (GRCh38, 1-based): chr2:178,605,504, G>C on the plus strand (C>G on the coding strand, the complement: TTN is on the minus strand). VCF-style: chr2-178605504-G-C. GRCh37 (hg19) VCF-style: chr2-179470231-G-C.
Other names: c.48868C>G, p.Gln16290Glu (NM_001256850.1); c.26596C>G, p.Gln8866Glu (NM_003319.4); c.46087C>G, p.Gln15363Glu (NM_133378.4); c.26971C>G, p.Gln8991Glu (NM_133432.3); c.27172C>G, p.Gln9058Glu (NM_133437.4); c.53791C>G (NM_001267550.1); short protein forms Q17931E, Q8866E, Q16290E, Q9058E, Q8991E, Q15363E.
Identifiers: ClinVar variation 535370 (VCV000535370.6), dbSNP rs759208053, ClinGen allele CA1993745.

ClinVar aggregate classification (germline): Uncertain significance. Review status: criteria provided, multiple submitters, no conflicts (2 of 4 stars). 4 submissions from 4 submitters: Uncertain significance (4). Last evaluated 2026-02-09.

Conditions:
Dilated cardiomyopathy 1G (CMD1G). Identifiers: Orphanet 154, MedGen C1858763, MONDO:0011400, OMIM 604145.
Autosomal recessive limb-girdle muscular dystrophy type 2J (LGMDR10). Also called: MUSCULAR DYSTROPHY, LIMB-GIRDLE, AUTOSOMAL RECESSIVE 10; Limb-girdle muscular dystrophy, type 2J. Identifiers: Orphanet 140922, MedGen C1837342, MONDO:0012127, OMIM 608807.
TTN-related disorder. Also called: TTN-related condition; TTN-related disease; TTN-related disorders.

Allele frequency attached by ClinVar (database versions not stated): gnomAD exomes below 0.00001 and 0.00001; ExAC 0.00002; gnomAD 0.00004; TOPMed 0.00005.
gnomAD v4.1: 10 of 1,612,118 alleles (0.00062%); highest among the groups gnomAD compares: African/African-American, 0.013%; no homozygotes.

Submissions (4):

PreventionGenetics, part of Exact Sciences
Classification: Uncertain significance for TTN-related condition. Last evaluated: 2026-02-09. Review status: criteria provided, single submitter. Criteria: ACMG Guidelines, 2015. Collection method: clinical testing. Allele origin: germline.
Comment: The TTN c.53791C>G variant is predicted to result in the amino acid substitution p.Gln17931Glu. To our knowledge, this variant has not been reported in the literature. This variant is reported in 0.017% of alleles in individuals of African descent in gnomAD. At this time, the clinical significance of this variant is uncertain due to the absence of conclusive functional and genetic evidence.

Women's Health and Genetics/Laboratory Corporation of America, LabCorp
Classification: Uncertain significance. Last evaluated: 2024-12-06. Review status: criteria provided, single submitter. Criteria: LabCorp Variant Classification Summary - May 2015. Collection method: clinical testing. Allele origin: germline.

GeneDx
Classification: Uncertain significance. Last evaluated: 2023-03-07. Review status: criteria provided, single submitter. Criteria: GeneDx Variant Classification Process June 2021. Collection method: clinical testing. Allele origin: germline. Affected: yes.
Comment: Not observed at significant frequency in large population cohorts (gnomAD); Missense variant in a gene in which most reported pathogenic variants are truncating/loss-of-function; Has not been previously published as pathogenic or benign to our knowledge; This variant is associated with the following publications: (PMID: 26582918)

Labcorp Genetics (formerly Invitae), Labcorp
Classification: Uncertain significance for Dilated cardiomyopathy 1G; Autosomal recessive limb-girdle muscular dystrophy type 2J. Last evaluated: 2017-12-15. Review status: criteria provided, single submitter. Criteria: Invitae Variant Classification Sherloc (09022015). Collection method: clinical testing. Allele origin: germline.